The following is an entry in ClinVar:

ClinVar aggregate classification (germline): Pathogenic/Likely pathogenic. Review status: criteria provided, multiple submitters, no conflicts (2 of 4 stars). 6 submissions from 6 submitters: Pathogenic (3); Likely pathogenic (2). 1 of the submissions does not count toward it. Last evaluated 2025-10-29.

Conditions:
Autosomal dominant and autosomal recessive CD46-related disorders.
Atypical hemolytic-uremic syndrome. Identifiers: Orphanet 2134, MedGen C2931788, MONDO:0016244.
Atypical hemolytic-uremic syndrome with MCP/CD46 anomaly. Also called: HEMOLYTIC UREMIC SYNDROME, ATYPICAL, SUSCEPTIBILITY TO, 2; AHUS, SUSCEPTIBILITY TO, 2. Identifiers: Orphanet 2134, MedGen C2752040, MONDO:0013040, OMIM 612922.

gnomAD v4.1: 2 of 1,613,084 alleles (0.00012%); highest among the groups gnomAD compares: Non-Finnish European, 0.00017%; no homozygotes.

Submissions (6):

Variantyx, Inc.
Classification: Likely pathogenic for Autosomal dominant and autosomal recessive CD46-related disorders. Last evaluated: 2025-10-29. Review status: criteria provided, single submitter. Criteria: Variantyx Assertion Criteria 2022. Collection method: clinical testing. Allele origin: germline. Inheritance: Semidominant inheritance. Affected: yes.
Comment: This is a nonsense variant in the CD46 gene (OMIM: 120920). Pathogenic variants in this gene have been associated with autosomal semidominant atypical hemolytic-uremic syndrome. This variant introduces a premature termination codon in exon 6 out of 13 and is expected to result in loss of function, which is a known disease mechanism for CD46 in this disorder (PMID: 16621965, 14566051, 23431077, 23780777) (PVS1). This variant has a 0.0002% maximum allele frequency in non-founder control populations (PM2). Based on the current evidence, this variant is classified as likely pathogenic for autosomal semidominant atypical hemolytic-uremic syndrome.

Genomenon, Inc
Classification: Pathogenic for Atypical hemolytic-uremic syndrome. Last evaluated: 2025-10-02. Review status: criteria provided, single submitter. Criteria: Genomenon Sequence Variant Interpretation Standards. Collection method: curation. Allele origin: germline. Affected: yes.
Comment: CD46 p.Arg229Ter (c.685C>T) is a nonsense variant that introduces a premature stop codon at amino acid position 229, creating a truncated protein that is predicted to undergo nonsense-mediated mRNA decay. This variant has been observed in at least one proband affected with atypical hemolytic-uremic syndrome (PMID:34169201;33224962;25443527). It is absent or not present at a significant frequency in gnomAD. In conclusion, we classify CD46 p.Arg229Ter (c.685C>T) as a pathogenic variant.

Center for Genomic Medicine, Rigshospitalet, Copenhagen University Hospital
Classification: Likely pathogenic. Last evaluated: 2025-03-04. Review status: criteria provided, single submitter. Criteria: ACMG Guidelines, 2015. Collection method: clinical testing. Allele origin: germline.

3billion
Classification: Pathogenic for Atypical hemolytic-uremic syndrome with MCP/CD46 anomaly. Last evaluated: 2025-01-20. Review status: criteria provided, single submitter. Criteria: ACMG Guidelines, 2015. Collection method: clinical testing. Allele origin: germline. Affected: yes.
Comment: The variant is observed at an extremely low frequency in the gnomAD v4.1.0 dataset (total allele frequency: <0.001%). Predicted Consequence/Location: Stop-gained (nonsense): predicted to result in a loss or disruption of normal protein function through nonsense-mediated decay (NMD) or protein truncation. Multiple pathogenic variants are reported downstream of the variant. The variant has been reported to be associated with CD46-related disorder (ClinVar ID: VCV000438672 /PMID: 25443527). Therefore, this variant is classified as Pathogenic according to the recommendation of ACMG/AMP guideline.

Juno Genomics, Hangzhou Juno Genomics, Inc
Classification: Pathogenic for Atypical hemolytic-uremic syndrome with MCP/CD46 anomaly. Review status: criteria provided, single submitter. Criteria: ACMG Guidelines, 2015. Collection method: clinical testing. Allele origin: germline.
Comment: Absent from controls (or at extremely low frequency if recessive) in Genome Aggregation Database.;Null variant in a gene where loss of function (LOF) is a known mechanism of disease.;The prevalence of the variant in affected individuals is significantly increased compared to the prevalence in controls.

Bioscientia Institut fuer Medizinische Diagnostik GmbH, Sonic Healthcare
Classification: Likely pathogenic for Atypical hemolytic-uremic syndrome with MCP/CD46 anomaly. Last evaluated: 2017-04-20. Review status: no assertion criteria provided. Collection method: clinical testing. Allele origin: germline. Affected: yes. Not counted in ClinVar's aggregate classification.

Literature cited by the submitters: PubMed 16621965 (cited by Variantyx, Inc.); PubMed 14566051 (cited by Variantyx, Inc.); PubMed 23431077 (cited by Variantyx, Inc.); PubMed 23780777 (cited by Variantyx, Inc.); PubMed 34169201 (cited by Genomenon, Inc); PubMed 33224962 (cited by Genomenon, Inc); PubMed 25443527 (cited by 3 submitters).

NM_172351.3(CD46):c.685C>T (p.Arg229Ter)

Gene: CD46 (CD46 molecule; plus strand). Cytogenetic location: 1q32.2.
Variant type: single nucleotide variant.
Coding change: c.685C>T on transcript NM_172351.3 (MANE Select); coding-DNA position 685, C replaced by T.
Protein change: p.Arg229Ter; replaces arginine 229 with a stop codon.
Molecular consequence: nonsense.
Genome position (GRCh38, 1-based): chr1:207,767,024, C>T. VCF-style: chr1-207767024-C-T. GRCh37 (hg19) VCF-style: chr1-207940369-C-T.
Other names: c.685C>T, p.Arg229Ter (NM_002389.4, NM_153826.4, NM_172350.3 and 9 more transcripts); short protein forms R229*.
Identifiers: ClinVar variation 438672 (VCV000438672.10), dbSNP rs1553251787, ClinGen allele CA344550684.